The following is an entry in ClinVar:

ClinVar aggregate classification (germline): Uncertain significance (1 of 4 stars; one submission).

Conditions:
Birt-Hogg-Dube syndrome. Also called: Birt Hogg Dubé syndrome. Identifiers: Orphanet 122, MedGen C0346010, MONDO:0800444.

Submission:

Labcorp Genetics (formerly Invitae), Labcorp
Classification: Uncertain significance for Birt-Hogg-Dube syndrome. Last evaluated: 2023-11-11. Review status: criteria provided, single submitter. Criteria: Invitae Variant Classification Sherloc (09022015). Collection method: clinical testing. Allele origin: germline.
Comment: This sequence change replaces leucine, which is neutral and non-polar, with proline, which is neutral and non-polar, at codon 364 of the FLCN protein (p.Leu364Pro). This variant is not present in population databases (gnomAD no frequency). This variant has not been reported in the literature in individuals affected with FLCN-related conditions. Advanced modeling of protein sequence and biophysical properties (such as structural, functional, and spatial information, amino acid conservation, physicochemical variation, residue mobility, and thermodynamic stability) performed at Invitae indicates that this missense variant is expected to disrupt FLCN protein function with a positive predictive value of 80%. In summary, the available evidence is currently insufficient to determine the role of this variant in disease. Therefore, it has been classified as a Variant of Uncertain Significance.

NM_144997.7(FLCN):c.1091T>C (p.Leu364Pro)

Gene: FLCN (folliculin; minus strand). Cytogenetic location: 17p11.2.
Variant type: single nucleotide variant.
Coding change: c.1091T>C on transcript NM_144997.7 (MANE Select); coding-DNA position 1091, T replaced by C.
Protein change: p.Leu364Pro; replaces leucine 364 with proline.
Molecular consequence: missense variant.
Genome position (GRCh38, 1-based): chr17:17,217,154, A>G on the plus strand (T>C on the coding strand, the complement: FLCN is on the minus strand). VCF-style: chr17-17217154-A-G. GRCh37 (hg19) VCF-style: chr17-17120468-A-G.
Other names: c.1145T>C, p.Leu382Pro (NM_001353229.2); c.1091T>C, p.Leu364Pro (NM_001353230.2, NM_001353231.2); short protein forms L364P, L382P.
Identifiers: ClinVar variation 2695102 (VCV002695102.3), dbSNP rs2544173805, ClinGen allele CA398532351.